The following is an entry in ClinVar:

NM_000313.4(PROS1):c.1892del (p.Pro631fs)

Gene: PROS1 (protein S; minus strand). Cytogenetic location: 3q11.1.
Variant type: Deletion.
Coding change: c.1892del on transcript NM_000313.4 (MANE Select); coding-DNA position 1892, one base deleted (C; older notation c.1892delC).
Protein change: p.Pro631fs; shifts the reading frame from proline 631.
Molecular consequence: frameshift variant.
Genome position (GRCh38, 1-based): chr3:93,874,384, G deleted on the plus strand (C on the coding strand, the reverse complement: PROS1 is on the minus strand); the first of 2 consecutive G bases (chr3:93,874,384-93,874,385); deleting either gives the same sequence. VCF-style (leftmost placement, unchanged base first): chr3-93874383-TG-T. GRCh37 (hg19) VCF-style: chr3-93593227-TG-T.
Other names: c.1892delC (NM_000313.4); c.1988del, p.Pro663fs (NM_001314077.2); short protein forms P631fs, P663fs.
Identifiers: ClinVar variation 4529463 (VCV004529463.1).

ClinVar aggregate classification (germline): Likely pathogenic (0 of 4 stars; one submission).

Conditions:
Thrombophilia due to protein S deficiency, autosomal dominant (THPH5). Identifiers: Orphanet 26349, Orphanet 743, MedGen C3278211, MONDO:0012868, OMIM 612336. Disease mechanism: loss of function.

Submission:

Department of Transfusion Medicine and Hemostaseology, University Hospital Erlangen
Classification: Likely pathogenic for Thrombophilia due to protein S deficiency, autosomal dominant. Last evaluated: 2025-09-01. Review status: no assertion criteria provided. Collection method: clinical testing. Allele origin: germline.
Comment: This variant was identified during a screening of patients with suspected hereditary Protein S deficiency. Currently, no literature describing this variant is available and it is not listed in any public population database. Nevertheless, due to the introduction of a premature stop codon within the Laminin G-like 2 domain of Protein S, we classified this variant as likely pathogenic.